The following is an entry in ClinVar:

ClinVar aggregate classification (germline): Uncertain significance. Review status: criteria provided, single submitter (1 of 4 stars). 2 submissions from 1 submitter: Uncertain significance (1). 1 of the submissions does not count toward it. Last evaluated 2020-07-30.

Conditions:
Leber congenital amaurosis 13 (LCA13). Identifiers: MedGen C2675186, MONDO:0012990, OMIM 612712.

Submissions (2):

Labcorp Genetics (formerly Invitae), Labcorp
Classification: Uncertain significance for Leber congenital amaurosis 13. Last evaluated: 2020-07-30. Review status: criteria provided, single submitter. Criteria: Invitae Variant Classification Sherloc (09022015). Collection method: clinical testing. Allele origin: germline.
Comment: This variant results in a copy number gain of the genomic region encompassing the full coding sequence of the RDH12 gene. The boundaries of this event are unknown as they extend beyond the assayed region for this gene and therefore may encompass additional genes. As the precise location of this event is unknown, it may be in tandem or it may be located elsewhere in the genome. This variant has not been reported in the literature in individuals with RDH12-related conditions. In summary, the available evidence is currently insufficient to determine the role of this variant in disease. Therefore, it has been classified as a Variant of Uncertain Significance.

Labcorp Genetics (formerly Invitae), Labcorp
Classification: Uncertain significance. Last evaluated: 2020-07-30. Review status: flagged submission. Criteria: Invitae Variant Classification Sherloc (09022015). Collection method: clinical testing. Allele origin: germline. Not counted in ClinVar's aggregate classification.
Comment: This variant results in a copy number gain of the genomic region encompassing the full coding sequence of the RDH11 gene. The boundaries of this event are unknown as they extend beyond the assayed region for this gene and therefore may encompass additional genes. As the precise location of this event is unknown, it may be in tandem or it may be located elsewhere in the genome. This variant has not been reported in the literature in individuals with RDH11-related conditions. In summary, the available evidence is currently insufficient to determine the role of this variant in disease. Therefore, it has been classified as a Variant of Uncertain Significance.
ClinVar note: Reason: This record appears to be redundant with a more recent record from the same submitter.
ClinVar note: Notes: SCV001505300 appears to be redundant with SCV001535177.

NC_000014.8:g.(?_65937790)_(68354021_?)dup

Genes: TMEM229B (transmembrane protein 229B; minus strand), EIF2S1 (eukaryotic translation initiation factor 2 subunit alpha; plus strand), RDH11 (retinol dehydrogenase 11; minus strand), PLEK2 (pleckstrin 2; minus strand), FUT8 (fucosyltransferase 8; plus strand) and 11 more. Cytogenetic location: 14q23.3-24.1.
Variant type: Duplication.
Identifiers: ClinVar variation 1015841 (VCV001015841.2).